The following is an entry in ClinVar:

ClinVar aggregate classification (germline): Pathogenic. Review status: criteria provided, multiple submitters, no conflicts (2 of 4 stars). 2 submissions from 2 submitters: Pathogenic (2). Last evaluated 2024-06-29.

Conditions:
Trimethylaminuria (TMAU). Also called: FISH-ODOR SYNDROME; Fish malodor syndrome; Stale fish syndrome; TMAuria; Primary Trimethylaminuria. Identifiers: MedGen C0342739, MONDO:0011182, OMIM 602079, HP:0003614. Disease mechanism: loss of function.

Allele frequency attached by ClinVar (database versions not stated): gnomAD exomes below 0.00001.

Submissions (2):

Myriad Genetics, Inc.
Classification: Pathogenic for Trimethylaminuria. Last evaluated: 2024-06-29. Review status: criteria provided, single submitter. Criteria: Myriad Autosomal Dominant, Autosomal Recessive and X-Linked Classification Criteria (2023). Collection method: clinical testing. Allele origin: unknown.
Comment: NM_001002294.2(FMO3):c.170C>G(S57*) is expected to be pathogenic in the context of primary trimethylaminuria. This variant is predicted to lead to an abnormal or absent protein product due to the creation of a premature termination codon in FMO3, a gene where loss-of-function variants are known to be pathogenic. Please note: this variant was assessed in the context of healthy population screening.

Labcorp Genetics (formerly Invitae), Labcorp
Classification: Pathogenic. Last evaluated: 2023-07-17. Review status: criteria provided, single submitter. Criteria: Invitae Variant Classification Sherloc (09022015). Collection method: clinical testing. Allele origin: germline.
Comment: For these reasons, this variant has been classified as Pathogenic. This variant has not been reported in the literature in individuals affected with FMO3-related conditions. This variant is not present in population databases (gnomAD no frequency). This sequence change creates a premature translational stop signal (p.Ser57*) in the FMO3 gene. It is expected to result in an absent or disrupted protein product. Loss-of-function variants in FMO3 are known to be pathogenic (PMID: 20301282).

Literature cited by the submitters: PubMed 20301282 (cited by Labcorp Genetics (formerly Invitae), Labcorp).

NM_001002294.3(FMO3):c.170C>G (p.Ser57Ter)

Gene: FMO3 (flavin containing dimethylaniline monoxygenase 3; plus strand). Cytogenetic location: 1q24.3.
Variant type: single nucleotide variant.
Coding change: c.170C>G on transcript NM_001002294.3 (MANE Select); coding-DNA position 170, C replaced by G.
Protein change: p.Ser57Ter; replaces serine 57 with a stop codon.
Molecular consequence: nonsense. On other transcripts: intron variant (1).
Genome position (GRCh38, 1-based): chr1:171,103,822, C>G. VCF-style: chr1-171103822-C-G. GRCh37 (hg19) VCF-style: chr1-171072963-C-G.
Other names: c.110C>G, p.Ser37Ter (NM_001319173.2); c.170C>G, p.Ser57Ter (NM_006894.6); c.133-3853C>G (NM_001319174.2); short protein forms S37*, S57*.
Identifiers: ClinVar variation 2744460 (VCV002744460.4), dbSNP rs1655517675, ClinGen allele CA343180001.
Genomic context (GRCh38, chr1:171,103,822, plus strand): 5'-CATTTGATACTATACATTCACAGGACCATGCAGAGGAGGGCAGGGCTAGCATTTACAAAT[C>G]AGTCTTTTCCAACTCTTCCAAAGAGATGATGTGTTTCCCAGACTTCCCATTTCCCGATGA-3'